The following is an entry in ClinVar:

ClinVar aggregate classification (germline): Uncertain significance (1 of 4 stars; one submission).

Conditions:
Hereditary cancer-predisposing syndrome. Also called: Neoplastic Syndromes, Hereditary; Tumor predisposition; Hereditary Cancer Syndrome; Hereditary neoplastic syndrome. Identifiers: Orphanet 140162, MedGen C0027672, MeSH D009386, MONDO:0015356.

Submission:

Ambry Genetics
Classification: Uncertain significance for Hereditary cancer-predisposing syndrome. Last evaluated: 2022-02-01. Review status: criteria provided, single submitter. Criteria: Ambry Variant Classification Scheme 2023. Collection method: clinical testing. Allele origin: germline.
Comment: The p.L278F variant (also known as c.834G>C), located in coding exon 6 of the POT1 gene, results from a G to C substitution at nucleotide position 834. The leucine at codon 278 is replaced by phenylalanine, an amino acid with highly similar properties. This amino acid position is conserved. In addition, the in silico prediction for this alteration is inconclusive. Since supporting evidence is limited at this time, the clinical significance of this alteration remains unclear.

NM_015450.3(POT1):c.834G>C (p.Leu278Phe)

Gene: POT1 (protection of telomeres 1; minus strand). Cytogenetic location: 7q31.33.
Variant type: single nucleotide variant.
Coding change: c.834G>C on transcript NM_015450.3 (MANE Select); coding-DNA position 834, G replaced by C.
Protein change: p.Leu278Phe; replaces leucine 278 with phenylalanine.
Molecular consequence: missense variant. On other transcripts: non-coding transcript variant (3).
Genome position (GRCh38, 1-based): chr7:124,853,007, C>G on the plus strand (G>C on the coding strand, the complement: POT1 is on the minus strand). VCF-style: chr7-124853007-C-G. GRCh37 (hg19) VCF-style: chr7-124493061-C-G.
Other names: c.441G>C, p.Leu147Phe (NM_001042594.2); short protein forms L147F, L278F.
Identifiers: ClinVar variation 1763046 (VCV001763046.2), dbSNP rs754958636, ClinGen allele CA369055290.
Genomic context (GRCh38, chr7:124,853,007, plus strand): 5'-CATTTTCTAAATACTAAAAGCTTACTTTTTCAGTTGATCCACATCAGAGTTACTTTCTGG[C>G]AAGACCCTGATTCCCCGACCGTAACTGGTACCTCCATGAAGATGAAACTCTAAACTTAAC-3'
Protein context (NP_056265.2, residues 268-288): GTSYGRGIRV[Leu278Phe]PESNSDVDQL